The following is an entry in ClinVar:

ClinVar aggregate classification (germline): Pathogenic (1 of 4 stars; one submission).

Conditions:
Hereditary factor VIII deficiency disease (HEMA). Also called: HEMOPHILIA, CLASSIC; AUTOSOMAL HEMOPHILIA A; Hemophilia A; Hemophilia A, congenital; HEM A; Factor 8 deficiency, congenital. Identifiers: Orphanet 98878, MedGen C0019069, MONDO:0010602, OMIM 306700.

Submission:

ARUP Laboratories, Molecular Genetics and Genomics, ARUP Laboratories
Classification: Pathogenic for Hereditary factor VIII deficiency disease. Last evaluated: 2021-01-15. Review status: criteria provided, single submitter. Criteria: ARUP Molecular Germline Variant Investigation Process 2021. Collection method: clinical testing. Allele origin: germline.
Comment: The F8 c.5335G>A; p.Gly1779Arg variant (rs1168919288) is reported in the literature in multiple individuals affected with severe hemophilia A (see F8 database and references therein). In vitro functional analyses demonstrate that individuals with this variant have factor VIII activity of <1% (F8 database). Additionally, another variant resulting in the same amino acid change (c.5335G>C, p.Gly1779Arg) has been observed in an individual with severe hemophilia A (Johnsen 2017). This variant is absent from general population databases (Exome Variant Server, Genome Aggregation Database), indicating it is not a common polymorphism. Furthermore, another variant at this codon (c.5336A>G, p.Gly1779Glu) has been reported in individuals with severe hemophilia A and is considered pathogenic (Johnsen 2017). The glycine at codon 1779 is highly conserved, and computational analyses predict that this variant is deleterious (REVEL: 0.992). Based on available information, the c.5335G>A; p.Gly1779Arg variant is considered to be pathogenic. References: Link to F8 database: Johnsen JM et al. Novel approach to genetic analysis and results in 3000 hemophilia patients enrolled in the My Life, Our Future initiative. Blood Adv. 2017 May 18;1(13):824-834.

NM_000132.4(F8):c.5335G>A (p.Gly1779Arg)

Gene: F8 (coagulation factor VIII; minus strand). Cytogenetic location: Xq28.
Variant type: single nucleotide variant.
Coding change: c.5335G>A on transcript NM_000132.4 (MANE Select); coding-DNA position 5335, G replaced by A.
Protein change: p.Gly1779Arg; replaces glycine 1779 with arginine.
Molecular consequence: missense variant.
Genome position (GRCh38, 1-based): chrX:154,906,458, C>T on the plus strand (G>A on the coding strand, the complement: F8 is on the minus strand). VCF-style: chrX-154906458-C-T. GRCh37 (hg19) VCF-style: chrX-154134733-C-T.
Other names: short protein forms G1779R.
Identifiers: ClinVar variation 1330579 (VCV001330579.7), dbSNP rs1168919288, ClinGen allele CA414910615.